The following is an entry in ClinVar:

NM_001282225.2(ADA2):c.1522G>A (p.Val508Met)

Gene: ADA2 (adenosine deaminase 2; minus strand). Cytogenetic location: 22q11.1.
Variant type: single nucleotide variant.
Coding change: c.1522G>A on transcript NM_001282225.2 (MANE Select); coding-DNA position 1522, G replaced by A.
Protein change: p.Val508Met; replaces valine 508 with methionine.
Molecular consequence: missense variant.
Genome position (GRCh38, 1-based): chr22:17,181,497, C>T on the plus strand (G>A on the coding strand, the complement: ADA2 is on the minus strand). VCF-style: chr22-17181497-C-T. GRCh37 (hg19) VCF-style: chr22-17662387-C-T.
Other names: c.1522G>A, p.Val508Met (NM_001282226.2); c.1396G>A, p.Val466Met (NM_001282227.2, NM_001282228.2); c.1162G>A, p.Val388Met (NM_001282229.2); c.799G>A, p.Val267Met (NM_177405.3); short protein forms V508M, V267M, V388M, V466M.
Identifiers: ClinVar variation 1409286 (VCV001409286.3), dbSNP rs767440845, ClinGen allele CA10087835.

ClinVar aggregate classification (germline): Uncertain significance (1 of 4 stars; one submission).

Conditions:
Deficiency of adenosine deaminase 2. Also called: VASCULITIS, AUTOINFLAMMATION, IMMUNODEFICIENCY, AND HEMATOLOGIC DEFECTS SYNDROME; Polyarteritis nodosa, childhoood-onset; Adenosine Deaminase 2 Deficiency. Identifiers: Orphanet 404553, MedGen C3887654, MONDO:0014306, OMIM 615688, MONDO:0100317.

Allele frequency attached by ClinVar (database versions not stated): gnomAD exomes 0.00005 and 0.00001; TOPMed 0.00002; ExAC 0.00005.
gnomAD v4.1: 13 of 1,611,600 alleles (0.00081%); highest among the groups gnomAD compares: Admixed American, 0.018%; no homozygotes.

Submission:

Labcorp Genetics (formerly Invitae), Labcorp
Classification: Uncertain significance for Deficiency of adenosine deaminase 2. Last evaluated: 2022-08-17. Review status: criteria provided, single submitter. Criteria: Invitae Variant Classification Sherloc (09022015). Collection method: clinical testing. Allele origin: germline.
Comment: This sequence change replaces valine, which is neutral and non-polar, with methionine, which is neutral and non-polar, at codon 508 of the ADA2 protein (p.Val508Met). This variant is present in population databases (rs767440845, gnomAD 0.02%). This variant has not been reported in the literature in individuals affected with ADA2-related conditions. ClinVar contains an entry for this variant (Variation ID: 1409286). Algorithms developed to predict the effect of missense changes on protein structure and function are either unavailable or do not agree on the potential impact of this missense change (SIFT: "Deleterious"; PolyPhen-2: "Benign"; Align-GVGD: "Class C0"). In summary, the available evidence is currently insufficient to determine the role of this variant in disease. Therefore, it has been classified as a Variant of Uncertain Significance.